The following is an entry in ClinVar:

NM_001127217.3(SMAD9):c.1243C>T (p.Arg415Trp)

Gene: SMAD9 (SMAD family member 9; minus strand). Cytogenetic location: 13q13.3.
Variant type: single nucleotide variant.
Coding change: c.1243C>T on transcript NM_001127217.3 (MANE Select); coding-DNA position 1243, C replaced by T.
Protein change: p.Arg415Trp; replaces arginine 415 with tryptophan.
Molecular consequence: missense variant.
Genome position (GRCh38, 1-based): chr13:36,853,436, G>A on the plus strand (C>T on the coding strand, the complement: SMAD9 is on the minus strand). VCF-style: chr13-36853436-G-A. GRCh37 (hg19) VCF-style: chr13-37427573-G-A.
Other names: p.R415W:CGG>TGG; c.1132C>T, p.Arg378Trp (NM_001378621.1, NM_005905.6); c.1132C>T (NM_005905.5); short protein forms R415W, R378W.
Identifiers: ClinVar variation 213814 (VCV000213814.6), dbSNP rs863223772, ClinGen allele CA320813.
Genomic context (GRCh38, chr13:36,853,436, plus strand): 5'-TTTTCACTGAACATTTTATAACGTGATAGCAAGCACTCCTTACCTTAACAAAACTCATCC[G>A]GATAGTACACATCTTGGTCAGTTCATACACGACTTCAAAGCCGTGGTGAACTGACTGGGC-3'
Protein context (NP_001120689.1, residues 405-425): VYELTKMCTI[Arg415Trp]MSFVKGWGAE

ClinVar aggregate classification (germline): Uncertain significance. Review status: criteria provided, multiple submitters, no conflicts (2 of 4 stars). 3 submissions from 3 submitters: Uncertain significance (3). Last evaluated 2024-06-14.

Conditions:
Inborn genetic diseases. Identifiers: MedGen C0950123, MeSH D030342.
Pulmonary hypertension, primary, 2. Identifiers: Orphanet 422, MedGen C3888002, MONDO:0014134, OMIM 615342.

Allele frequency attached by ClinVar (database versions not stated): gnomAD exomes 0.00001 and 0.00002; TOPMed 0.00009.

Submissions (3):

Fulgent Genetics
Classification: Uncertain significance for Pulmonary hypertension, primary, 2. Last evaluated: 2024-06-14. Review status: criteria provided, single submitter. Criteria: ACMG Guidelines, 2015. Collection method: clinical testing. Allele origin: germline.

Ambry Genetics
Classification: Uncertain significance for Inborn genetic diseases. Last evaluated: 2022-05-10. Review status: criteria provided, single submitter. Criteria: Ambry Variant Classification Scheme 2023. Collection method: clinical testing. Allele origin: germline.

GeneDx
Classification: Uncertain significance. Last evaluated: 2018-04-19. Review status: criteria provided, single submitter. Criteria: GeneDx Variant Classification (06012015). Collection method: clinical testing. Allele origin: germline. Affected: yes.
Comment: The R415W variant in the SMAD9 gene has not been reported previously as a pathogenic variant, nor as a benign variant, to our knowledge. The R415W variant is observed in 2/33580 (0.006%) alleles from individuals of Latino background, in large population cohorts (Lek et al., 2016). The R415W variant is a non-conservative amino acid substitution, which is likely to impact secondary protein structure as these residues differ in polarity, charge, size and/or other properties. In-silico analyses, including protein predictors and evolutionary conservation, support a deleterious effect. We interpret R415W as a variant of uncertain significance.